The following is an entry in ClinVar:

NM_139242.4(MTFMT):c.172T>A (p.Phe58Ile)

Gene: MTFMT (mitochondrial methionyl-tRNA formyltransferase; minus strand). Cytogenetic location: 15q22.31.
Variant type: single nucleotide variant.
Coding change: c.172T>A on transcript NM_139242.4 (MANE Select); coding-DNA position 172, T replaced by A.
Protein change: p.Phe58Ile; replaces phenylalanine 58 with isoleucine.
Molecular consequence: missense variant.
Genome position (GRCh38, 1-based): chr15:65,029,442, A>T on the plus strand (T>A on the coding strand, the complement: MTFMT is on the minus strand). VCF-style: chr15-65029442-A-T. GRCh37 (hg19) VCF-style: chr15-65321780-A-T.
Other names: short protein forms F58I.
Identifiers: ClinVar variation 440931 (VCV000440931.16), dbSNP rs188718836, ClinGen allele CA7613429.

ClinVar aggregate classification (germline): Benign. Review status: criteria provided, multiple submitters, no conflicts (2 of 4 stars). 4 submissions from 4 submitters: Benign (3). 1 of the submissions does not count toward it. Last evaluated 2026-01-27.

Conditions:
Combined oxidative phosphorylation defect type 15. Also called: Combined oxidative phosphorylation deficiency 15. Identifiers: Orphanet 319524, MedGen C4706313, MONDO:0013987, OMIM 614947.

Allele frequency attached by ClinVar (database versions not stated): 1000 Genomes Project 0.00539; 1000 Genomes Project 30x 0.00578; ESP Exome Variant Server 0.00676; TOPMed 0.00936; gnomAD 0.01018 and 0.01025; gnomAD exomes 0.01097 and 0.01512; ExAC 0.01203.
gnomAD v4.1: 22,125 of 1,517,602 alleles (1.5%); highest among the groups gnomAD compares: Non-Finnish European, 1.7%; 218 homozygotes.

Submissions (4):

Labcorp Genetics (formerly Invitae), Labcorp
Classification: Benign. Last evaluated: 2026-01-27. Review status: criteria provided, single submitter. Criteria: Invitae Variant Classification Sherloc (09022015). Collection method: clinical testing. Allele origin: germline.

GeneDx
Classification: Benign. Last evaluated: 2015-03-03. Review status: criteria provided, single submitter. Criteria: GeneDx Variant Classification Process June 2021. Collection method: clinical testing. Allele origin: germline. Affected: yes.

Breakthrough Genomics
Classification: Benign. Review status: criteria provided, single submitter. Criteria: ACMG Guidelines, 2015. Collection method: not provided. Allele origin: germline. Inheritance: Autosomal recessive inheritance. Affected: yes.

Mayo Clinic Laboratories, Mayo Clinic
Classification: Likely benign. Last evaluated: 2016-03-02. Review status: no assertion criteria provided. Collection method: clinical testing. Allele origin: unknown. Not counted in ClinVar's aggregate classification.